The following is an entry in ClinVar:

NM_001430.5(EPAS1):c.1549A>G (p.Thr517Ala)

Gene: EPAS1 (endothelial PAS domain protein 1; plus strand). Cytogenetic location: 2p21.
Variant type: single nucleotide variant.
Coding change: c.1549A>G on transcript NM_001430.5 (MANE Select); coding-DNA position 1549, A replaced by G.
Protein change: p.Thr517Ala; replaces threonine 517 with alanine.
Molecular consequence: missense variant.
Genome position (GRCh38, 1-based): chr2:46,378,762, A>G. VCF-style: chr2-46378762-A-G. GRCh37 (hg19) VCF-style: chr2-46605901-A-G.
Other names: short protein forms T517A.
Identifiers: ClinVar variation 3221558 (VCV003221558.1), dbSNP rs1286073377, ClinGen allele CA346704350.

ClinVar aggregate classification (germline): Uncertain significance (1 of 4 stars; one submission).

Conditions:
Inborn genetic diseases. Identifiers: MedGen C0950123, MeSH D030342.

Submission:

Ambry Genetics
Classification: Uncertain significance for Inborn genetic diseases. Last evaluated: 2023-09-21. Review status: criteria provided, single submitter. Criteria: Ambry Variant Classification Scheme 2023. Collection method: clinical testing. Allele origin: germline.
Comment: The p.T517A variant (also known as c.1549A>G), located in coding exon 11 of the EPAS1 gene, results from an A to G substitution at nucleotide position 1549. The threonine at codon 517 is replaced by alanine, an amino acid with similar properties. This amino acid position is conserved. In addition, this alteration is predicted to be tolerated by in silico analysis. Since supporting evidence is limited at this time, the clinical significance of this alteration remains unclear.